The following is an entry in ClinVar:

NM_001048174.2(MUTYH):c.16G>T (p.Ala6Ser)

Gene: MUTYH (mutY DNA glycosylase; minus strand). Cytogenetic location: 1p34.1.
Variant type: single nucleotide variant.
Coding change: c.16G>T on transcript NM_001048174.2 (MANE Select); coding-DNA position 16, G replaced by T.
Protein change: p.Ala6Ser; replaces alanine 6 with serine.
Molecular consequence: missense variant. On other transcripts: 5 prime UTR variant (4), non-coding transcript variant (2).
Genome position (GRCh38, 1-based): chr1:45,334,490, C>A on the plus strand (G>T on the coding strand, the complement: MUTYH is on the minus strand). VCF-style: chr1-45334490-C-A. GRCh37 (hg19) VCF-style: chr1-45800162-C-A.
Other names: c.16G>T, p.Ala6Ser (NM_001048171.2, NM_001048172.2, NM_001048173.2 and 15 more transcripts); c.58G>T, p.Ala20Ser (NM_001128425.2, NM_001293190.2, NM_001407069.1 and 2 more transcripts); c.-197G>T (NM_001293192.2, NM_001293196.2, NM_001407091.1); c.-256G>T (NM_001350650.2); c.-192G>T (NM_001350651.2, NM_001407082.1); c.-141G>T (NM_001407075.1); c.34G>T, p.Ala12Ser (NM_001407087.1); short protein forms A12S, A20S, A6S.
Identifiers: ClinVar variation 1718142 (VCV001718142.6), dbSNP rs2524365524, ClinGen allele CA340137244.

ClinVar aggregate classification (germline): Uncertain significance. Review status: criteria provided, multiple submitters, no conflicts (2 of 4 stars). 2 submissions from 2 submitters: Uncertain significance (2). Last evaluated 2025-08-27.

Conditions:
Hereditary cancer-predisposing syndrome. Also called: Hereditary Cancer Syndrome; Hereditary neoplastic syndrome; Neoplastic Syndromes, Hereditary; Tumor predisposition. Identifiers: Orphanet 140162, MedGen C0027672, MeSH D009386, MONDO:0015356.
Familial adenomatous polyposis 2. Also called: MUTYH-associated polyposis; MUTYH-related attenuated familial adenomatous polyposis; FAP type 2; Adenomas, multiple colorectal; MYH-associated polyposis; MUTYH Polyposis. Identifiers: Orphanet 220460, Orphanet 247798, MedGen C3272841, MONDO:0012041, OMIM 608456.

Submissions (2):

Ambry Genetics
Classification: Uncertain significance for Hereditary cancer-predisposing syndrome. Last evaluated: 2025-08-27. Review status: criteria provided, single submitter. Criteria: Ambry Variant Classification Scheme 2023. Collection method: clinical testing. Allele origin: germline.
Comment: The p.A20S variant (also known as c.58G>T), located in coding exon 2 of the MUTYH gene, results from a G to T substitution at nucleotide position 58. The alanine at codon 20 is replaced by serine, an amino acid with similar properties. This amino acid position is conserved. In addition, this alteration is predicted to be tolerated by in silico analysis. Based on the available evidence, the clinical significance of this variant remains unclear.

Labcorp Genetics (formerly Invitae), Labcorp
Classification: Uncertain significance for Familial adenomatous polyposis 2. Last evaluated: 2022-07-18. Review status: criteria provided, single submitter. Criteria: Invitae Variant Classification Sherloc (09022015). Collection method: clinical testing. Allele origin: germline.
Comment: This variant is not present in population databases (gnomAD no frequency). Algorithms developed to predict the effect of missense changes on protein structure and function (SIFT, PolyPhen-2, Align-GVGD) all suggest that this variant is likely to be tolerated. This variant has not been reported in the literature in individuals affected with MUTYH-related conditions. This sequence change replaces alanine, which is neutral and non-polar, with serine, which is neutral and polar, at codon 20 of the MUTYH protein (p.Ala20Ser). In summary, the available evidence is currently insufficient to determine the role of this variant in disease. Therefore, it has been classified as a Variant of Uncertain Significance.